The following is an entry in ClinVar:

ClinVar aggregate classification (germline): Conflicting classifications of pathogenicity. Review status: criteria provided, conflicting classifications (1 of 4 stars). 2 submissions from 2 submitters: Uncertain significance (1); Likely benign (1). Last evaluated 2025-04-12.

Allele frequency attached by ClinVar (database versions not stated): ESP Exome Variant Server 0.00009; gnomAD 0.00011; TOPMed 0.00011.
gnomAD v4.1: 182 of 1,207,547 alleles (0.015%); highest among the groups gnomAD compares: Non-Finnish European, 0.019%; no homozygotes.

Submissions (2):

Ambry Genetics
Classification: Uncertain significance. Last evaluated: 2025-04-12. Review status: criteria provided, single submitter. Criteria: Ambry Variant Classification Scheme 2023. Collection method: clinical testing. Allele origin: germline.

CeGaT Center for Human Genetics Tuebingen
Classification: Likely benign. Last evaluated: 2023-01-01. Review status: criteria provided, single submitter. Criteria: CeGaT Center For Human Genetics Tuebingen Variant Classification Criteria Version 2. Collection method: clinical testing. Allele origin: germline. Affected: yes. Observed: 1 variant allele.
Comment: DOCK11: BS2

NM_144658.4(DOCK11):c.3817C>T (p.Arg1273Cys)

Gene: DOCK11 (dedicator of cytokinesis 11; plus strand). Cytogenetic location: Xq24.
Variant type: single nucleotide variant.
Coding change: c.3817C>T on transcript NM_144658.4 (MANE Select); coding-DNA position 3817, C replaced by T.
Protein change: p.Arg1273Cys; replaces arginine 1273 with cysteine.
Molecular consequence: missense variant.
Genome position (GRCh38, 1-based): chrX:118,630,421, C>T. VCF-style: chrX-118630421-C-T. GRCh37 (hg19) VCF-style: chrX-117764384-C-T.
Other names: c.3817C>T (NM_144658.3); short protein forms R1273C.
Identifiers: ClinVar variation 2661269 (VCV002661269.25), dbSNP rs201197807, ClinGen allele CA10499445.